The following is an entry in ClinVar:

ClinVar aggregate classification (germline): Uncertain significance. Review status: criteria provided, multiple submitters, no conflicts (2 of 4 stars). 2 submissions from 2 submitters: Uncertain significance (2). Last evaluated 2023-04-03.

Allele frequency attached by ClinVar (database versions not stated): gnomAD 0.00001; ExAC 0.00002; TOPMed 0.00002; gnomAD exomes 0.00004; ESP Exome Variant Server 0.00008.
gnomAD v4.1: 64 of 1,613,116 alleles (0.004%); highest among the groups gnomAD compares: Non-Finnish European, 0.0045%; no homozygotes.

Submissions (2):

Revvity Omics, Revvity
Classification: Uncertain significance. Last evaluated: 2023-04-03. Review status: criteria provided, single submitter. Criteria: ACMG Guidelines, 2015. Collection method: clinical testing. Allele origin: germline.

CeGaT Center for Human Genetics Tuebingen
Classification: Uncertain significance. Last evaluated: 2022-03-01. Review status: criteria provided, single submitter. Criteria: CeGaT Center For Human Genetics Tuebingen Variant Classification Criteria Version 2. Collection method: clinical testing. Allele origin: germline. Affected: yes. Observed: 1 variant allele.
Comment: TTN: PM2:Supporting, PP3

NM_001267550.2(TTN):c.72991C>T (p.Arg24331Cys)

Genes: TTN (titin; minus strand), TTN-AS1 (TTN antisense RNA 1; plus strand). Cytogenetic location: 2q31.2.
Variant type: single nucleotide variant.
Coding change: c.72991C>T on transcript NM_001267550.2 (MANE Select); coding-DNA position 72991, C replaced by T.
Protein change: p.Arg24331Cys; replaces arginine 24331 with cysteine.
Molecular consequence: missense variant.
Genome position (GRCh38, 1-based): chr2:178,573,141, G>A on the plus strand (C>T on the coding strand, the complement: TTN is on the minus strand). VCF-style: chr2-178573141-G-A. GRCh37 (hg19) VCF-style: chr2-179437868-G-A.
Other names: c.68068C>T, p.Arg22690Cys (NM_001256850.1); c.45796C>T, p.Arg15266Cys (NM_003319.4); c.65287C>T, p.Arg21763Cys (NM_133378.4); c.46171C>T, p.Arg15391Cys (NM_133432.3); c.46372C>T, p.Arg15458Cys (NM_133437.4); short protein forms R15266C, R15391C, R15458C, R21763C, R22690C, R24331C.
Identifiers: ClinVar variation 2651609 (VCV002651609.26), dbSNP rs376591763, ClinGen allele CA1990429.